The following is an entry in ClinVar:

NM_000540.3(RYR1):c.6317C>T (p.Ala2106Val)

Gene: RYR1 (ryanodine receptor 1; plus strand). Cytogenetic location: 19q13.2.
Variant type: single nucleotide variant.
Coding change: c.6317C>T on transcript NM_000540.3 (MANE Select); coding-DNA position 6317, C replaced by T.
Protein change: p.Ala2106Val; replaces alanine 2106 with valine.
Molecular consequence: missense variant.
Genome position (GRCh38, 1-based): chr19:38,494,394, C>T. VCF-style: chr19-38494394-C-T. GRCh37 (hg19) VCF-style: chr19-38985034-C-T.
Other names: c.6317C>T, p.Ala2106Val (NM_001042723.2); short protein forms A2106V.
Identifiers: ClinVar variation 478253 (VCV000478253.1), dbSNP rs1555781571, ClinGen allele CA405663472.
Genomic context (GRCh38, chr19:38,494,394, plus strand): 5'-GCATTGTCTCCTTCCCAGGGTCCCTGCAGGAGCTGGTGTCCCACATGGTGGTGCGCTGGG[C>T]CCAAGAGGACTTCGTGCAGAGCCCCGAGCTGGTGCGGGCCATGTTCAGCCTCCTGCACCG-3'
Protein context (NP_000531.2, residues 2096-2116): ELVSHMVVRW[Ala2106Val]QEDFVQSPEL

ClinVar aggregate classification (germline): Uncertain significance (1 of 4 stars; one submission).

Conditions:
RYR1-related disorder. Also called: RYR1-related condition; RYR1-related disorders. Identifiers: MedGen CN239331.

Submission:

Labcorp Genetics (formerly Invitae), Labcorp
Classification: Uncertain significance for RYR1-related disorder. Last evaluated: 2016-09-27. Review status: criteria provided, single submitter. Criteria: Invitae Variant Classification Sherloc (09022015). Collection method: clinical testing. Allele origin: germline.
Comment: This sequence change replaces alanine with valine at codon 2106 of the RYR1 protein (p.Ala2106Val). The alanine residue is highly conserved and there is a small physicochemical difference between alanine and valine. This variant is not present in population databases (ExAC no frequency) and has not been reported in the literature in individuals with a RYR1-related disease. Algorithms developed to predict the effect of missense changes on protein structure and function do not agree on the potential impact of this missense change (SIFT: "Deleterious"; PolyPhen-2: "Benign"; Align-GVGD: "Class C0"). In summary, this variant is a novel missense change with uncertain impact on protein function. It has been classified as a Variant of Uncertain Significance.